The following is an entry in ClinVar:

ClinVar aggregate classification (germline): Uncertain significance. Review status: criteria provided, multiple submitters, no conflicts (2 of 4 stars). 2 submissions from 2 submitters: Uncertain significance (2). Last evaluated 2025-11-23.

Conditions:
Hereditary cancer-predisposing syndrome. Also called: Neoplastic Syndromes, Hereditary; Hereditary Cancer Syndrome; Tumor predisposition; Hereditary neoplastic syndrome. Identifiers: Orphanet 140162, MedGen C0027672, MeSH D009386, MONDO:0015356.

Allele frequency attached by ClinVar (database versions not stated): gnomAD exomes below 0.00001.

Submissions (2):

Ambry Genetics
Classification: Uncertain significance for Hereditary cancer-predisposing syndrome. Last evaluated: 2025-11-23. Review status: criteria provided, single submitter. Criteria: Ambry Variant Classification Scheme 2023. Collection method: clinical testing. Allele origin: germline.
Comment: The p.P110L variant (also known as c.329C>T), located in coding exon 1 of the HOXB13 gene, results from a C to T substitution at nucleotide position 329. The proline at codon 110 is replaced by leucine, an amino acid with similar properties. This amino acid position is conserved. In addition, this alteration is predicted to be tolerated by in silico analysis. Based on the available evidence, the clinical significance of this variant remains unclear.

Labcorp Genetics (formerly Invitae), Labcorp
Classification: Uncertain significance. Last evaluated: 2025-07-30. Review status: criteria provided, single submitter. Criteria: Invitae Variant Classification Sherloc (09022015). Collection method: clinical testing. Allele origin: germline.
Comment: This sequence change replaces proline, which is neutral and non-polar, with leucine, which is neutral and non-polar, at codon 110 of the HOXB13 protein (p.Pro110Leu). This variant is not present in population databases (gnomAD no frequency). This variant has not been reported in the literature in individuals affected with HOXB13-related conditions. ClinVar contains an entry for this variant (Variation ID: 1039008). Invitae Evidence Modeling of protein sequence and biophysical properties (such as structural, functional, and spatial information, amino acid conservation, physicochemical variation, residue mobility, and thermodynamic stability) indicates that this missense variant is not expected to disrupt HOXB13 protein function with a negative predictive value of 80%. In summary, the available evidence is currently insufficient to determine the role of this variant in disease. Therefore, it has been classified as a Variant of Uncertain Significance.

NM_006361.6(HOXB13):c.329C>T (p.Pro110Leu)

Gene: HOXB13 (homeobox B13; minus strand). Cytogenetic location: 17q21.32.
Variant type: single nucleotide variant.
Coding change: c.329C>T on transcript NM_006361.6 (MANE Select); coding-DNA position 329, C replaced by T.
Protein change: p.Pro110Leu; replaces proline 110 with leucine.
Molecular consequence: missense variant.
Genome position (GRCh38, 1-based): chr17:48,728,265, G>A on the plus strand (C>T on the coding strand, the complement: HOXB13 is on the minus strand). VCF-style: chr17-48728265-G-A. GRCh37 (hg19) VCF-style: chr17-46805627-G-A.
Other names: c.329C>T (NM_006361.5); short protein forms P110L.
Identifiers: ClinVar variation 1039008 (VCV001039008.9), dbSNP rs2038235541, ClinGen allele CA400107683.